The following is an entry in ClinVar:

NM_025074.7(FRAS1):c.7573C>T (p.Arg2525Cys)

Gene: FRAS1 (Fraser extracellular matrix complex subunit 1; plus strand). Cytogenetic location: 4q21.21.
Variant type: single nucleotide variant.
Coding change: c.7573C>T on transcript NM_025074.7 (MANE Select); coding-DNA position 7573, C replaced by T.
Protein change: p.Arg2525Cys; replaces arginine 2525 with cysteine.
Molecular consequence: missense variant.
Genome position (GRCh38, 1-based): chr4:78,473,488, C>T. VCF-style: chr4-78473488-C-T. GRCh37 (hg19) VCF-style: chr4-79394642-C-T.
Other names: short protein forms R2525C.
Identifiers: ClinVar variation 904875 (VCV000904875.7), dbSNP rs376675521, ClinGen allele CA2978153.

ClinVar aggregate classification (germline): Conflicting classifications of pathogenicity. Review status: criteria provided, conflicting classifications (1 of 4 stars). 4 submissions from 4 submitters: Pathogenic (1); Uncertain significance (3). Last evaluated 2026-03-08.

Conditions:
Fraser syndrome 1 (FRASRS1). Also called: CRYPTOPHTHALMOS WITH OTHER MALFORMATIONS. Identifiers: Orphanet 2052, MedGen C4551480, MONDO:0054737, OMIM 219000.
Orofacial cleft 1 (OFC1). Also called: Nonsyndromic Cleft Lip/Palate; CLEFT LIP WITH OR WITHOUT CLEFT PALATE, NONSYNDROMIC, 1; OROFACIAL CLEFT, NONSYNDROMIC. Identifiers: MedGen C1861537, MeSH C566121, MONDO:0007335, OMIM 119530.

Allele frequency attached by ClinVar (database versions not stated): ExAC 0.00001; gnomAD 0.00002 and 0.00003; gnomAD exomes 0.00004; ESP Exome Variant Server 0.00008; TOPMed 0.00010.
gnomAD v4.1: 55 of 1,613,070 alleles (0.0034%); highest among the groups gnomAD compares: South Asian, 0.0055%; no homozygotes.

Submissions (4):

GeneDx
Classification: Uncertain significance. Last evaluated: 2026-03-08. Review status: criteria provided, single submitter. Criteria: GeneDx Variant Classification Process June 2021. Collection method: clinical testing. Allele origin: germline.
Comment: Has not been previously published as pathogenic or benign to our knowledge; In silico analysis does not support a benign or deleterious effect of this variant on protein structure/function

Genetics Research Group, Universidad San Francisco de Quito
Classification: Pathogenic for Orofacial cleft 1. Last evaluated: 2025-09-01. Review status: criteria provided, single submitter. Criteria: ACMG Guidelines, 2015. Collection method: research. Allele origin: germline. Inheritance: Autosomal dominant inheritance. Affected: yes. Observed: 1 heterozygote.
Comment: The NM_025074.6:c.7573C>T (p.Arg2525Cys) variant in FRAS1 results in the substitution of a positively charged arginine with a polar cysteine residue at a highly conserved position within the extracellular domain of the protein, essential for epithelial–mesenchymal interactions during craniofacial morphogenesis (PM1). This variant is absent from gnomAD and from admixed Latin American populations (PM2), supporting its rarity. In silico predictive tools indicate a damaging effect on protein function (PolyPhen-2 score 0.98 – possibly damaging; SIFT – deleterious; PP3). The variant was identified in two affected siblings with non-syndromic cleft lip and palate (NSCLP), with no other syndromic features observed, consistent with a role for FRAS1 in isolated craniofacial malformations (PP4). Although FRAS1 variants are classically associated with autosomal recessive Fraser syndrome, heterozygous missense variants in functionally critical domains have been reported in milder or isolated craniofacial phenotypes, supporting a dosage-sensitive mechanism (PS4_supporting). In summary, this variant meets ACMG/AMP criteria PM1, PM2, PP3, PP4, and PS4_supporting and is therefore classified as pathogenic for non-syndromic cleft lip and palate due to disruption of FRAS1 function.

Fulgent Genetics
Classification: Uncertain significance for Fraser syndrome 1. Last evaluated: 2022-05-11. Review status: criteria provided, single submitter. Criteria: ACMG Guidelines, 2015. Collection method: clinical testing. Allele origin: unknown.

Illumina Laboratory Services, Illumina
Classification: Uncertain significance for Fraser syndrome 1. Last evaluated: 2018-01-17. Review status: criteria provided, single submitter. Criteria: ICSL Variant Classification Criteria 13 December 2019. Collection method: clinical testing. Allele origin: germline.